The following is an entry in ClinVar:

NM_015978.3(TNNI3K):c.263T>A (p.Met88Lys)

Genes: FPGT-TNNI3K (FPGT-TNNI3K readthrough; plus strand), TNNI3K (TNNI3 interacting kinase; plus strand). Cytogenetic location: 1p31.1.
Variant type: single nucleotide variant.
Coding change: c.263T>A on transcript NM_015978.3 (MANE Select); coding-DNA position 263, T replaced by A.
Protein change: p.Met88Lys; replaces methionine 88 with lysine.
Molecular consequence: missense variant.
Genome position (GRCh38, 1-based): chr1:74,250,699, T>A. VCF-style: chr1-74250699-T-A. GRCh37 (hg19) VCF-style: chr1-74716383-T-A.
Other names: c.566T>A, p.Met189Lys (NM_001112808.3, NM_001199327.2); short protein forms M88K, M189K.
Identifiers: ClinVar variation 2696758 (VCV002696758.3), dbSNP rs201074684, ClinGen allele CA340788123.

ClinVar aggregate classification (germline): Uncertain significance (1 of 4 stars; one submission).

Submission:

Labcorp Genetics (formerly Invitae), Labcorp
Classification: Uncertain significance. Last evaluated: 2023-11-17. Review status: criteria provided, single submitter. Criteria: Invitae Variant Classification Sherloc (09022015). Collection method: clinical testing. Allele origin: germline.
Comment: This sequence change replaces methionine, which is neutral and non-polar, with lysine, which is basic and polar, at codon 88 of the TNNI3K protein (p.Met88Lys). This variant is not present in population databases (gnomAD no frequency). This variant has not been reported in the literature in individuals affected with TNNI3K-related conditions. Advanced modeling of protein sequence and biophysical properties (such as structural, functional, and spatial information, amino acid conservation, physicochemical variation, residue mobility, and thermodynamic stability) performed at Invitae indicates that this missense variant is not expected to disrupt TNNI3K protein function with a negative predictive value of 80%. In summary, the available evidence is currently insufficient to determine the role of this variant in disease. Therefore, it has been classified as a Variant of Uncertain Significance.